The following is an entry in ClinVar:

Conditions:
Breast-ovarian cancer, familial, susceptibility to, 1 (BROVCA1). Also called: BRCA1 Hereditary Breast and Ovarian Cancer; OVARIAN CANCER, SUSCEPTIBILITY TO. Identifiers: Orphanet 145, MedGen C2676676, MONDO:0011450, OMIM 604370. Disease mechanism: loss of function.

Submission:

Brotman Baty Institute, University of Washington
No classification provided (evidence only). Condition: Breast-ovarian cancer, familial 1. Review status: no classification provided. Collection method: in vitro. Allele origin: not applicable. Functional consequence: functionally_normal.
ClinVar note: "not provided" was previously submitted as the classification for the variant. However, the classification appeared to be based only on an observation of functional data so it was converted to no classification on 2025-07-30.

NM_007294.4(BRCA1):c.-18T>G

Gene: BRCA1 (BRCA1 DNA repair associated; minus strand). Cytogenetic location: 17q21.31.
Variant type: single nucleotide variant.
Coding change: c.-18T>G on transcript NM_007294.4 (MANE Select); 18 bases upstream of the start codon, T replaced by G.
Molecular consequence: 5 prime UTR variant. On other transcripts: non-coding transcript variant (1).
Genome position (GRCh38, 1-based): chr17:43,124,114, A>C on the plus strand (T>G on the coding strand, the complement: BRCA1 is on the minus strand). VCF-style: chr17-43124114-A-C. GRCh37 (hg19) VCF-style: chr17-41276131-A-C.
Other names: c.-206T>G (NM_001407571.1, NM_001407853.1, NM_001407879.1 and 42 more transcripts); c.-18T>G (NM_001407581.1, NM_001407582.1, NM_001407583.1 and 169 more transcripts); c.-275T>G (NM_001407694.1, NM_001407724.1, NM_001407727.1 and 11 more transcripts); c.-279T>G (NM_001407695.1, NM_001408465.1); c.-420T>G (NM_001407696.1); c.-304T>G (NM_001407697.1, NM_001407846.1, NM_001407920.1); c.-105T>G (NM_001407698.1, NM_001407732.1, NM_001407736.1 and 21 more transcripts); c.-278T>G (NM_001407725.1, NM_001407730.1, NM_001407734.1 and 22 more transcripts); and 8 more.
Identifiers: ClinVar variation 868646 (VCV000868646.3), dbSNP rs1567823580, ClinGen allele CA500131494.